The following is an entry in ClinVar:

NM_001042545.2(LTBP4):c.2945-16T>C

Gene: LTBP4 (latent transforming growth factor beta binding protein 4; plus strand). Cytogenetic location: 19q13.2.
Variant type: single nucleotide variant.
Coding change: c.2945-16T>C on transcript NM_001042545.2 (MANE Select); 16 bases into the intron before coding-DNA position 2945, T replaced by C.
Molecular consequence: intron variant.
Genome position (GRCh38, 1-based): chr19:40,617,084, T>C. VCF-style: chr19-40617084-T-C. GRCh37 (hg19) VCF-style: chr19-41122990-T-C.
Other names: c.3035-16T>C (NM_003573.2); c.3146-16T>C (NM_001042544.1).
Identifiers: ClinVar variation 512629 (VCV000512629.1), dbSNP rs1440291779, ClinGen allele CA633467008.

ClinVar aggregate classification (germline): Likely benign (1 of 4 stars; one submission).

Allele frequency attached by ClinVar (database versions not stated): gnomAD exomes 0.00001; TOPMed 0.00001; gnomAD 0.00001.
gnomAD v4.1: 14 of 1,613,814 alleles (0.00087%); highest among the groups gnomAD compares: Non-Finnish European, 0.0012%; no homozygotes.

Submission:

GeneDx
Classification: Likely benign. Last evaluated: 2017-10-11. Review status: criteria provided, single submitter. Criteria: GeneDx Variant Classification (06012015). Collection method: clinical testing. Allele origin: germline. Affected: yes.
Comment: This variant is considered likely benign or benign based on one or more of the following criteria: it is a conservative change, it occurs at a poorly conserved position in the protein, it is predicted to be benign by multiple in silico algorithms, and/or has population frequency not consistent with disease.